The following is an entry in ClinVar:

NM_000051.4(ATM):c.4537C>G (p.Leu1513Val)

Gene: ATM (ATM serine/threonine kinase; plus strand). Cytogenetic location: 11q22.3.
Variant type: single nucleotide variant.
Coding change: c.4537C>G on transcript NM_000051.4 (MANE Select); coding-DNA position 4537, C replaced by G.
Protein change: p.Leu1513Val; replaces leucine 1513 with valine.
Molecular consequence: missense variant.
Genome position (GRCh38, 1-based): chr11:108,292,719, C>G. VCF-style: chr11-108292719-C-G. GRCh37 (hg19) VCF-style: chr11-108163446-C-G.
Other names: c.4537C>G, p.Leu1513Val (NM_001351834.2); short protein forms L1513V.
Identifiers: ClinVar variation 843890 (VCV000843890.7), dbSNP rs2082867393, ClinGen allele CA382533735.

ClinVar aggregate classification (germline): Uncertain significance. Review status: criteria provided, multiple submitters, no conflicts (2 of 4 stars). 2 submissions from 2 submitters: Uncertain significance (2). Last evaluated 2025-07-31.

Conditions:
Hereditary cancer-predisposing syndrome. Also called: Neoplastic Syndromes, Hereditary; Hereditary neoplastic syndrome; Tumor predisposition; Hereditary Cancer Syndrome. Identifiers: Orphanet 140162, MedGen C0027672, MeSH D009386, MONDO:0015356.
Ataxia-telangiectasia syndrome (AT). Also called: Ataxia-telangiectasia, complementation group D; AT, COMPLEMENTATION GROUP C; Ataxia telangiectasia (A-T); Cerebello-oculocutaneous telangiectasia; Immunodeficiency with ataxia telangiectasia; Ataxia-telangiectasia. Identifiers: Orphanet 100, MedGen C0004135, MONDO:0008840, OMIM 208900.

Submissions (2):

Labcorp Genetics (formerly Invitae), Labcorp
Classification: Uncertain significance for Ataxia-telangiectasia syndrome. Last evaluated: 2025-07-31. Review status: criteria provided, single submitter. Criteria: Invitae Variant Classification Sherloc (09022015). Collection method: clinical testing. Allele origin: germline.
Comment: This sequence change replaces leucine, which is neutral and non-polar, with valine, which is neutral and non-polar, at codon 1513 of the ATM protein (p.Leu1513Val). This variant is not present in population databases (gnomAD no frequency). This variant has not been reported in the literature in individuals affected with ATM-related conditions. ClinVar contains an entry for this variant (Variation ID: 843890). Invitae Evidence Modeling of protein sequence and biophysical properties (such as structural, functional, and spatial information, amino acid conservation, physicochemical variation, residue mobility, and thermodynamic stability) indicates that this missense variant is not expected to disrupt ATM protein function with a negative predictive value of 95%. In summary, the available evidence is currently insufficient to determine the role of this variant in disease. Therefore, it has been classified as a Variant of Uncertain Significance.

Ambry Genetics
Classification: Uncertain significance for Hereditary cancer-predisposing syndrome. Last evaluated: 2025-03-21. Review status: criteria provided, single submitter. Criteria: Ambry Variant Classification Scheme 2023. Collection method: clinical testing. Allele origin: germline.
Comment: The p.L1513V variant (also known as c.4537C>G), located in coding exon 29 of the ATM gene, results from a C to G substitution at nucleotide position 4537. The leucine at codon 1513 is replaced by valine, an amino acid with highly similar properties. This amino acid position is highly conserved in available vertebrate species. In addition, the in silico prediction for this alteration is inconclusive. Based on the available evidence, the clinical significance of this variant remains unclear.